The following is an entry in ClinVar:

NM_006031.6(PCNT):c.8434C>G (p.Gln2812Glu)

Gene: PCNT (pericentrin; plus strand). Cytogenetic location: 21q22.3.
Variant type: single nucleotide variant.
Coding change: c.8434C>G on transcript NM_006031.6 (MANE Select); coding-DNA position 8434, C replaced by G.
Protein change: p.Gln2812Glu; replaces glutamine 2812 with glutamic acid.
Molecular consequence: missense variant.
Genome position (GRCh38, 1-based): chr21:46,431,898, C>G. VCF-style: chr21-46431898-C-G. GRCh37 (hg19) VCF-style: chr21-47851812-C-G.
Other names: c.8080C>G, p.Gln2694Glu (NM_001315529.2); short protein forms Q2694E, Q2812E.
Identifiers: ClinVar variation 2093058 (VCV002093058.4), dbSNP rs2519011598, ClinGen allele CA410573177.

ClinVar aggregate classification (germline): Uncertain significance (1 of 4 stars; one submission).

Submission:

Labcorp Genetics (formerly Invitae), Labcorp
Classification: Uncertain significance. Last evaluated: 2023-08-04. Review status: criteria provided, single submitter. Criteria: Invitae Variant Classification Sherloc (09022015). Collection method: clinical testing. Allele origin: germline.
Comment: In summary, the available evidence is currently insufficient to determine the role of this variant in disease. Therefore, it has been classified as a Variant of Uncertain Significance. An algorithm developed to predict the effect of missense changes on protein structure and function (PolyPhen-2) suggests that this variant is likely to be tolerated. ClinVar contains an entry for this variant (Variation ID: 2093058). This variant has not been reported in the literature in individuals affected with PCNT-related conditions. This sequence change replaces glutamine, which is neutral and polar, with glutamic acid, which is acidic and polar, at codon 2812 of the PCNT protein (p.Gln2812Glu). This variant is not present in population databases (gnomAD no frequency).